The following is an entry in ClinVar:

ClinVar aggregate classification (germline): Uncertain significance (1 of 4 stars; one submission).

Allele frequency attached by ClinVar (database versions not stated): gnomAD exomes below 0.00001.
gnomAD v4.1: 1 of 1,612,258 alleles (0.000062%); highest among the groups gnomAD compares: Non-Finnish European, 0.000085%; no homozygotes.

Submission:

Labcorp Genetics (formerly Invitae), Labcorp
Classification: Uncertain significance. Last evaluated: 2025-01-13. Review status: criteria provided, single submitter. Criteria: Invitae Variant Classification Sherloc (09022015). Collection method: clinical testing. Allele origin: germline.
Comment: This sequence change replaces lysine, which is basic and polar, with glutamic acid, which is acidic and polar, at codon 2662 of the CPLANE1 protein (p.Lys2662Glu). This variant is not present in population databases (gnomAD no frequency). This variant has not been reported in the literature in individuals affected with CPLANE1-related conditions. ClinVar contains an entry for this variant (Variation ID: 2020958). Invitae Evidence Modeling of protein sequence and biophysical properties (such as structural, functional, and spatial information, amino acid conservation, physicochemical variation, residue mobility, and thermodynamic stability) indicates that this missense variant is not expected to disrupt CPLANE1 protein function with a negative predictive value of 95%. In summary, the available evidence is currently insufficient to determine the role of this variant in disease. Therefore, it has been classified as a Variant of Uncertain Significance.

NM_001384732.1(CPLANE1):c.8146A>G (p.Lys2716Glu)

Gene: CPLANE1 (ciliogenesis and planar polarity effector complex subunit 1; minus strand). Cytogenetic location: 5p13.2.
Variant type: single nucleotide variant.
Coding change: c.8146A>G on transcript NM_001384732.1 (MANE Select); coding-DNA position 8146, A replaced by G.
Protein change: p.Lys2716Glu; replaces lysine 2716 with glutamic acid.
Molecular consequence: missense variant.
Genome position (GRCh38, 1-based): chr5:37,153,967, T>C on the plus strand (A>G on the coding strand, the complement: CPLANE1 is on the minus strand). VCF-style: chr5-37153967-T-C. GRCh37 (hg19) VCF-style: chr5-37154069-T-C.
Other names: c.7984A>G, p.Lys2662Glu (NM_023073.4); short protein forms K2716E, K2662E.
Identifiers: ClinVar variation 2020958 (VCV002020958.4), dbSNP rs2547285266, ClinGen allele CA359474356.